The following is an entry in ClinVar:

ClinVar aggregate classification (germline): Pathogenic (1 of 4 stars; one submission).

Conditions:
Autosomal recessive nonsyndromic hearing loss 7. Also called: DEAFNESS, AUTOSOMAL RECESSIVE 11. Identifiers: Orphanet 90636, MedGen C1832978, MONDO:0010967, OMIM 600974.

Submission:

Institute of Rare Diseases, West China Hospital, Sichuan University
Classification: Pathogenic for Autosomal recessive nonsyndromic hearing loss 7. Last evaluated: 2025-01-09. Review status: criteria provided, single submitter. Criteria: ClinGen HL ACMG Specifications v1. Collection method: research. Allele origin: germline. Affected: yes.
Comment: PVS1;PM3_Supporting;PM2_Supporting

NM_138691.3(TMC1):c.709del (p.Ala237fs)

Gene: TMC1 (transmembrane channel like 1; plus strand). Cytogenetic location: 9q21.13.
Variant type: Deletion.
Coding change: c.709del on transcript NM_138691.3 (MANE Select); coding-DNA position 709, one base deleted (G; older notation c.709delG).
Protein change: p.Ala237fs; shifts the reading frame from alanine 237.
Molecular consequence: frameshift variant.
Genome position (GRCh38, 1-based): chr9:72,754,852, G deleted; the last of 2 consecutive G bases (chr9:72,754,851-72,754,852); deleting either gives the same sequence. VCF-style (leftmost placement, unchanged base first): chr9-72754850-CG-C. GRCh37 (hg19) VCF-style: chr9-75369766-CG-C.
Other names: short protein forms A237fs.
Identifiers: ClinVar variation 3601914 (VCV003601914.1).